The following is an entry in ClinVar:

NM_080605.4(B3GALT6):c.660C>T (p.Leu220=)

Gene: B3GALT6 (beta-1,3-galactosyltransferase 6; plus strand). Cytogenetic location: 1p36.33.
Variant type: single nucleotide variant.
Coding change: c.660C>T on transcript NM_080605.4 (MANE Select); coding-DNA position 660, C replaced by T.
Protein change: p.Leu220=; no amino-acid change (leucine 220 retained).
Molecular consequence: synonymous variant.
Genome position (GRCh38, 1-based): chr1:1,232,938, C>T. VCF-style: chr1-1232938-C-T. GRCh37 (hg19) VCF-style: chr1-1168318-C-T.
Identifiers: ClinVar variation 4981802 (VCV004981802.1).

ClinVar aggregate classification (germline): Likely benign (1 of 4 stars; one submission).

Conditions:
B3GALT6-related disorder. Also called: B3GALT6-related condition.

gnomAD v4.1: 6 of 1,563,896 alleles (0.00038%); highest among the groups gnomAD compares: Non-Finnish European, 0.00052%; no homozygotes.

Submission:

PreventionGenetics, part of Exact Sciences
Classification: Likely benign for B3GALT6-related condition. Last evaluated: 2025-11-14. Review status: criteria provided, single submitter. Criteria: ACMG Guidelines, 2015. Collection method: clinical testing. Allele origin: germline.
Comment: This variant is classified as likely benign based on ACMG/AMP sequence variant interpretation guidelines (Richards et al. 2015 PMID: 25741868, with internal and published modifications).